The following is an entry in ClinVar:

NM_001079866.2(BCS1L):c.518G>A (p.Gly173Asp)

Gene: BCS1L (BCS1 ubiquinol-cytochrome c reductase complex chaperone; plus strand). Cytogenetic location: 2q35.
Variant type: single nucleotide variant.
Coding change: c.518G>A on transcript NM_001079866.2 (MANE Select); coding-DNA position 518, G replaced by A.
Protein change: p.Gly173Asp; replaces glycine 173 with aspartic acid.
Molecular consequence: missense variant. On other transcripts: non-coding transcript variant (1).
Genome position (GRCh38, 1-based): chr2:218,661,816, G>A. VCF-style: chr2-218661816-G-A. GRCh37 (hg19) VCF-style: chr2-219526539-G-A.
Other names: c.518G>A, p.Gly173Asp (NM_001257342.2, NM_001257343.2, NM_001257344.2 and 10 more transcripts); c.158G>A, p.Gly53Asp (NM_001318836.2, NM_001371451.1); c.17G>A, p.Gly6Asp (NM_001371452.1, NM_001371453.1, NM_001371454.1 and 3 more transcripts); short protein forms G173D, G53D, G6D.
Identifiers: ClinVar variation 625208 (VCV000625208.13), dbSNP rs375876694, ClinGen allele CA65808955.
Genomic context (GRCh38, chr2:218,661,816, plus strand): 5'-CAGCTCGAGAGCTAGCCTTGCAGCAGGAGGAAGGGAAGACCGTGATGTACACAGCTGTGG[G>A]CTCTGAATGGCGTCCCTTTGGCTATCCACGCCGCCGGCGACCACTGAATTCTGTGGTTCT-3'
Protein context (NP_001073335.1, residues 163-183): EGKTVMYTAV[Gly173Asp]SEWRPFGYPR

ClinVar aggregate classification (germline): Conflicting classifications of pathogenicity. Review status: criteria provided, conflicting classifications (1 of 4 stars). 7 submissions from 6 submitters: Likely pathogenic (3); Uncertain significance (2). 2 of the submissions do not count toward it. Last evaluated 2026-02-24.

Conditions:
Movement disorder. Also called: Abnormality of movement; Movement disorders. Identifiers: MedGen C0026650, MONDO:0005395, HP:0100022.
Microcephaly. Also called: Microcephaly (disease). Identifiers: MedGen C4551563, MONDO:0001149, HP:0000252.
Sparse hair. Identifiers: MedGen C5551005, HP:0008070.
Severe intellectual disability. Identifiers: MedGen C0036857, HP:0010864.
GRACILE syndrome (FLNMS). Also called: FELLMAN SYNDROME; FINNISH LETHAL NEONATAL METABOLIC SYNDROME. Identifiers: Orphanet 53693, MedGen C1864002, MONDO:0011308, OMIM 603358.
Mitochondrial complex III deficiency nuclear type 1. Identifiers: Orphanet 254902, MedGen C3541471, MONDO:0007415, OMIM 124000.
Pili torti-deafness syndrome (BJS). Also called: PILI TORTI AND NERVE DEAFNESS; Bjornstad syndrome. Identifiers: Orphanet 123, MedGen C0266006, MONDO:0009872, OMIM 262000.
BCS1L-related disorder. Also called: BCS1L-related condition; BCS1L-related disorders. Identifiers: MedGen CN239240.
Intellectual disability. Also called: Intellectual functioning disability; Intellectual developmental disorder; intellectual disabilities. Identifiers: MedGen C3714756, MeSH D008607, MONDO:0001071, HP:0001249.

Allele frequency attached by ClinVar (database versions not stated): gnomAD exomes 0.00001 and 0.00007; gnomAD 0.00002; TOPMed 0.00002; ESP Exome Variant Server 0.00008.
gnomAD v4.1: 103 of 1,614,082 alleles (0.0064%); highest among the groups gnomAD compares: Non-Finnish European, 0.0086%; no homozygotes.

Submissions (7):

Myriad Genetics, Inc.
Classification: Uncertain significance for BCS1L-related disorder. Last evaluated: 2026-02-24. Review status: criteria provided, single submitter. Criteria: Myriad Autosomal Dominant, Autosomal Recessive and X-Linked Classification Criteria (2023). Collection method: clinical testing. Allele origin: unknown.
Comment: NM_004328.4(BCS1L):c.518G>A(G173D) is a missense variant classified as a variant of uncertain significance in the context of BCS1L-related disorders. G173D has been observed in a case with relevant disease (PMID: Gandelman_2020_(Article)). Relevant functional assessments of this variant are not available in the literature. G173D has been observed in referenced population frequency databases. In summary, there is insufficient evidence to classify NM_004328.4(BCS1L):c.518G>A(G173D) as pathogenic or benign. Please note: this variant was assessed in the context of healthy population screening.

Labcorp Genetics (formerly Invitae), Labcorp
Classification: Uncertain significance. Last evaluated: 2026-01-08. Review status: criteria provided, single submitter. Criteria: Invitae Variant Classification Sherloc (09022015). Collection method: clinical testing. Allele origin: germline.
Comment: This sequence change replaces glycine, which is neutral and non-polar, with aspartic acid, which is acidic and polar, at codon 173 of the BCS1L protein (p.Gly173Asp). This variant is present in population databases (rs375876694, gnomAD 0.004%). This missense change has been observed in individual(s) with clinical features of BSC1L-related conditions (PMID: 31316545, 37541188). ClinVar contains an entry for this variant (Variation ID: 625208). Invitae Evidence Modeling of protein sequence and biophysical properties (such as structural, functional, and spatial information, amino acid conservation, physicochemical variation, residue mobility, and thermodynamic stability) indicates that this missense variant is expected to disrupt BCS1L protein function with a positive predictive value of 95%. In summary, the available evidence is currently insufficient to determine the role of this variant in disease. Therefore, it has been classified as a Variant of Uncertain Significance.

Fulgent Genetics
Classification: Likely pathogenic for Mitochondrial complex III deficiency nuclear type 1; Pili torti-deafness syndrome; GRACILE syndrome. Last evaluated: 2024-02-22. Review status: criteria provided, single submitter. Criteria: ACMG Guidelines, 2015. Collection method: clinical testing. Allele origin: germline.

Baylor Genetics
Classification: Likely pathogenic for Pili torti-deafness syndrome. Last evaluated: 2023-12-14. Review status: criteria provided, single submitter. Criteria: ACMG Guidelines, 2015. Collection method: clinical testing. Allele origin: unknown.

Raymond Lab, University of Cambridge
Classification: Likely pathogenic for Intellectual disability. Last evaluated: 2019-02-13. Review status: criteria provided, single submitter. Criteria: ACMG Guidelines, 2015. Collection method: research. Allele origin: unknown. Affected: yes. Observed: 2 variant alleles.

NIHR Bioresource Rare Diseases, University of Cambridge
Classification: Pathogenic for Movement disorder; Microcephaly; Sparse hair. Review status: no assertion criteria provided. Collection method: research. Allele origin: unknown. Affected: yes. Observed: 1 variant allele. Not counted in ClinVar's aggregate classification.

NIHR Bioresource Rare Diseases, University of Cambridge
Classification: Pathogenic for Movement disorder; Severe intellectual disability; Microcephaly; Sparse hair. Review status: no assertion criteria provided. Collection method: research. Allele origin: unknown. Affected: yes. Observed: 1 variant allele. Not counted in ClinVar's aggregate classification.

Literature cited by the submitters: PubMed 31316545 (cited by Labcorp Genetics (formerly Invitae), Labcorp); PubMed 37541188 (cited by Labcorp Genetics (formerly Invitae), Labcorp); PubMed 32581362 (cited by NIHR Bioresource Rare Diseases, University of Cambridge).